The following is an entry in ClinVar:

ClinVar aggregate classification (germline): Pathogenic (1 of 4 stars; one submission).

Submission:

CeGaT Center for Human Genetics Tuebingen
Classification: Pathogenic. Last evaluated: 2025-03-01. Review status: criteria provided, single submitter. Criteria: CeGaT Center For Human Genetics Tuebingen Variant Classification Criteria Version 2. Collection method: clinical testing. Allele origin: germline. Affected: yes. Observed: 2 variant alleles.
Comment: PCDH15: PVS1, PM2

NM_001384140.1(PCDH15):c.2511dup (p.Ile838fs)

Gene: PCDH15 (protocadherin related 15; minus strand). Cytogenetic location: 10q21.1.
Variant type: Duplication.
Coding change: c.2511dup on transcript NM_001384140.1 (MANE Select); coding-DNA position 2511, one base duplicated (C; older notation c.2511dupC).
Protein change: p.Ile838fs; shifts the reading frame from isoleucine 838.
Molecular consequence: frameshift variant.
Genome position (GRCh38, 1-based): chr10:54,022,907, G duplicated on the plus strand (C on the coding strand, the reverse complement: PCDH15 is on the minus strand); the first of 2 consecutive G bases (chr10:54,022,907-54,022,908); duplicating either gives the same sequence. VCF-style (leftmost placement, unchanged base first): chr10-54022906-T-TG. GRCh37 (hg19) VCF-style: chr10-55782666-T-TG.
Other names: c.2526dup, p.Ile843fs (NM_001142763.2, NM_001142771.2); c.2511dup, p.Ile838fs (NM_001142764.2, NM_001142766.2, NM_001142770.3 and 5 more transcripts); c.2298dup, p.Ile767fs (NM_001142765.2); c.2400dup, p.Ile801fs (NM_001142767.2); c.2445dup, p.Ile816fs (NM_001142768.2, NM_001142773.2, NM_001354404.2); c.2546dup, p.Ile850Hisfs (NM_001142769.4); c.2532dup, p.Ile845fs (NM_001354411.2); short protein forms I767fs, I801fs, I816fs, I838fs, I843fs, I845fs, I850fs.
Identifiers: ClinVar variation 3778409 (VCV003778409.7).